The following is an entry in ClinVar:

NM_001122630.2(CDKN1C):c.130G>A (p.Ala44Thr)

Gene: CDKN1C (cyclin dependent kinase inhibitor 1C; minus strand). Cytogenetic location: 11p15.4.
Variant type: single nucleotide variant.
Coding change: c.130G>A on transcript NM_001122630.2 (MANE Select); coding-DNA position 130, G replaced by A.
Protein change: p.Ala44Thr; replaces alanine 44 with threonine.
Molecular consequence: missense variant.
Genome position (GRCh38, 1-based): chr11:2,885,327, C>T on the plus strand (G>A on the coding strand, the complement: CDKN1C is on the minus strand). VCF-style: chr11-2885327-C-T. GRCh37 (hg19) VCF-style: chr11-2906557-C-T.
Other names: c.163G>A, p.Ala55Thr (NM_000076.2, NM_001362474.2); c.130G>A, p.Ala44Thr (NM_001122631.2, NM_001362475.2); short protein forms A44T, A55T.
Identifiers: ClinVar variation 3345632 (VCV003345632.2).
Genomic context (GRCh38, chr11:2,885,327, plus strand): 5'-CAGGGCCCCGCAGCGGCATGTCCTGCTGGAAGTCGTAATCCCAGCGGTTCTGGTCCTCGG[C>T]GTTCAGCTCGGCCAGGCGGGCCTGCAGCTCGCGGCTCAGCTCCTCGTGGTCCACCGGCCC-3'
Protein context (NP_001116102.1, residues 34-54): ELQARLAELN[Ala44Thr]EDQNRWDYDF

ClinVar aggregate classification (germline): Uncertain significance. Review status: criteria provided, single submitter (1 of 4 stars). 2 submissions from 2 submitters: Uncertain significance (1). 1 of the submissions does not count toward it. Last evaluated 2018-08-24.

Conditions:
CDKN1C-related disorder. Also called: CDKN1C-related condition.

Submissions (2):

Blueprint Genetics
Classification: Uncertain significance. Last evaluated: 2018-08-24. Review status: criteria provided, single submitter. Criteria: ACMG Guidelines, 2015. Collection method: clinical testing. Allele origin: germline.

PreventionGenetics, part of Exact Sciences
Classification: Uncertain significance for CDKN1C-related condition. Last evaluated: 2024-07-25. Review status: no assertion criteria provided. Collection method: clinical testing. Allele origin: germline. Not counted in ClinVar's aggregate classification.
Comment: The CDKN1C c.163G>A variant is predicted to result in the amino acid substitution p.Ala55Thr. To our knowledge, this variant has not been reported in the literature or in a large population database, indicating this variant is rare. At this time, the clinical significance of this variant is uncertain due to the absence of conclusive functional and genetic evidence.